The following is an entry in ClinVar:

ClinVar aggregate classification (germline): Uncertain significance (1 of 4 stars; one submission).

Conditions:
Tietz syndrome (TADS). Also called: ALBINISM-DEAFNESS OF TIETZ; HYPOPIGMENTATION/DEAFNESS OF TIETZ; TIETZ ALBINISM-DEAFNESS SYNDROME. Identifiers: Orphanet 42665, MedGen C0391816, MONDO:0007077, OMIM 103500.
Waardenburg syndrome type 2A (WS2A). Also called: WAARDENBURG SYNDROME WITHOUT DYSTOPIA CANTHORUM. Identifiers: Orphanet 3440, MedGen C1860339, MONDO:0008671, OMIM 193510.
Melanoma, cutaneous malignant, susceptibility to, 8. Also called: MELANOMA AND RENAL CELL CARCINOMA, SUSCEPTIBILITY TO; Cutaneous malignant melanoma 8. Identifiers: Orphanet 293822, MedGen C3152204, MONDO:0013759, OMIM 614456.

Submission:

Labcorp Genetics (formerly Invitae), Labcorp
Classification: Uncertain significance for Melanoma, cutaneous malignant, susceptibility to, 8; Waardenburg syndrome type 2A; Tietz syndrome. Last evaluated: 2025-12-17. Review status: criteria provided, single submitter. Criteria: Invitae Variant Classification Sherloc (09022015). Collection method: clinical testing. Allele origin: germline.
Comment: This sequence change replaces alanine, which is neutral and non-polar, with threonine, which is neutral and polar, at codon 200 of the MITF protein (p.Ala200Thr). This variant is not present in population databases (gnomAD no frequency). This variant has not been reported in the literature in individuals affected with MITF-related conditions. Invitae Evidence Modeling of protein sequence and biophysical properties (such as structural, functional, and spatial information, amino acid conservation, physicochemical variation, residue mobility, and thermodynamic stability) indicates that this missense variant is not expected to disrupt MITF protein function with a negative predictive value of 80%. In summary, the available evidence is currently insufficient to determine the role of this variant in disease. Therefore, it has been classified as a Variant of Uncertain Significance.

NM_001354604.2(MITF):c.919G>A (p.Ala307Thr)

Gene: MITF (melanocyte inducing transcription factor; plus strand). Cytogenetic location: 3p13.
Variant type: single nucleotide variant.
Coding change: c.919G>A on transcript NM_001354604.2 (MANE Select); coding-DNA position 919, G replaced by A.
Protein change: p.Ala307Thr; replaces alanine 307 with threonine.
Molecular consequence: missense variant.
Genome position (GRCh38, 1-based): chr3:69,951,850, G>A. VCF-style: chr3-69951850-G-A. GRCh37 (hg19) VCF-style: chr3-70001001-G-A.
Other names: c.598G>A, p.Ala200Thr (NM_000248.4); c.745G>A, p.Ala249Thr (NM_001184967.2, NM_001354608.2); c.916G>A, p.Ala306Thr (NM_001354605.2); c.898G>A, p.Ala300Thr (NM_001354606.2, NM_006722.3); c.850G>A, p.Ala284Thr (NM_001354607.2); c.580G>A, p.Ala194Thr (NM_198158.3); c.901G>A, p.Ala301Thr (NM_198159.3); c.853G>A, p.Ala285Thr (NM_198177.3); and 1 more; short protein forms A200T, A194T, A249T, A284T, A285T, A307T, A300T, A138T.
Identifiers: ClinVar variation 4782679 (VCV004782679.1).